The following is an entry in ClinVar:

ClinVar aggregate classification (germline): Conflicting classifications of pathogenicity. Review status: criteria provided, conflicting classifications (1 of 4 stars). 6 submissions from 6 submitters: Pathogenic (2); Likely pathogenic (2); Uncertain significance (1). 1 of the submissions does not count toward it. Last evaluated 2025-05-12.

Conditions:
Neurometabolic disorder due to serine deficiency. Identifiers: Orphanet 35705, MedGen C5680148, MONDO:0018162.
Neu-Laxova syndrome 1 (NLS1). Identifiers: Orphanet 2671, Orphanet 583607, MedGen C4551478, MONDO:0009736, OMIM 256520. Disease mechanism: loss of function.
PHGDH deficiency. Identifiers: Orphanet 79351, MedGen C1866174, MONDO:0011152, OMIM 601815.

Allele frequency attached by ClinVar (database versions not stated): gnomAD exomes below 0.00001; TOPMed below 0.00001; gnomAD 0.00001; ExAC 0.00002.
gnomAD v4.1: 29 of 1,613,822 alleles (0.0018%); highest among the groups gnomAD compares: Middle Eastern, 0.016%; no homozygotes.

Submissions (6):

Revvity Omics, Revvity
Classification: Pathogenic. Last evaluated: 2025-05-12. Review status: criteria provided, single submitter. Criteria: ACMG Guidelines, 2015. Collection method: clinical testing. Allele origin: germline.

Natera, Inc.
Classification: Likely pathogenic for Phosphoglycerate dehydrogenase deficiency. Last evaluated: 2025-04-22. Review status: criteria provided, single submitter. Criteria: Natera Variant Classification Schema (03/2026). Collection method: clinical testing. Allele origin: germline.
Comment: The c.1273G>A variant in PHGDH is a missense variant predicted to cause substitution of valine to methionine at amino acid 425. This variant is rare in the general population with a frequency below the threshold expected for the associated phenotype(s). This variant has been observed in one or more individuals affected with the associated recessive disease, as either homozygous or compound heterozygous with a second variant (PMID: 37758168, 22393170, 29018476, 11055895). Functional studies show that this variant may disrupt protein function (PMID: 19235232). Computational prediction algorithms indicate this variant is likely to affect gene or protein function. Given the available evidence, this variant is classified as Likely Pathogenic.

Myriad Genetics, Inc.
Classification: Likely pathogenic for Neurometabolic disorder due to serine deficiency. Last evaluated: 2025-02-05. Review status: criteria provided, single submitter. Criteria: Myriad Autosomal Dominant, Autosomal Recessive and X-Linked Classification Criteria (2023). Collection method: clinical testing. Allele origin: unknown.
Comment: NM_006623.3(PHGDH):c.1273G>A(V425M) is a missense variant classified as likely pathogenic in the context of serine deficiency disorder, PHGDH-related. V425M has been observed in cases with relevant disease (PMID: 11055895, 29018476, 23564319, 37758168). Relevant functional assessments of this variant are available in the literature (PMID: 11055895, 37650587). V425M has been observed in referenced population frequency databases. In summary, NM_006623.3(PHGDH):c.1273G>A(V425M) is a missense variant that has been observed more frequently in cases with the relevant disease than in healthy populations. Please note: this variant was assessed in the context of healthy population screening.

Labcorp Genetics (formerly Invitae), Labcorp
Classification: Uncertain significance for PHGDH deficiency. Last evaluated: 2022-03-25. Review status: criteria provided, single submitter. Criteria: Invitae Variant Classification Sherloc (09022015). Collection method: clinical testing. Allele origin: germline.
Comment: This sequence change replaces valine, which is neutral and non-polar, with methionine, which is neutral and non-polar, at codon 425 of the PHGDH protein (p.Val425Met). The frequency data for this variant in the population databases is considered unreliable, as metrics indicate poor data quality at this position in the gnomAD database. This missense change has been observed in individual(s) with phosphoglycerate dehydrogenase deficiency (PMID: 11055895, 22393170, 29018476, 32404165). ClinVar contains an entry for this variant (Variation ID: 3868). Algorithms developed to predict the effect of missense changes on protein structure and function are either unavailable or do not agree on the potential impact of this missense change (SIFT: "Tolerated"; PolyPhen-2: "Possibly Damaging"; Align-GVGD: "Class C0"). Experimental studies have shown that this missense change affects PHGDH function (PMID: 11055895, 19235232). In summary, the available evidence is currently insufficient to determine the role of this variant in disease. Therefore, it has been classified as a Variant of Uncertain Significance.

Institute of Human Genetics, University of Leipzig Medical Center
Classification: Pathogenic for Neu-Laxova syndrome 1. Last evaluated: 2019-01-01. Review status: criteria provided, single submitter. Criteria: ACMG Guidelines, 2015. Collection method: clinical testing. Allele origin: unknown. Affected: yes.
Comment: This variant was identified as compound heterozygous.

OMIM
Classification: Pathogenic for PHOSPHOGLYCERATE DEHYDROGENASE DEFICIENCY. Last evaluated: 2000-12-01. Review status: no assertion criteria provided. Collection method: literature only. Allele origin: germline. Not counted in ClinVar's aggregate classification.

Literature cited by the submitters: PubMed 37758168 (cited by Natera, Inc. and Myriad Genetics, Inc.); PubMed 22393170 (cited by Natera, Inc. and Labcorp Genetics (formerly Invitae), Labcorp); PubMed 29018476 (cited by 3 submitters); PubMed 11055895 (cited by 4 submitters); PubMed 19235232 (cited by Natera, Inc. and Labcorp Genetics (formerly Invitae), Labcorp); PubMed 23564319 (cited by Myriad Genetics, Inc.); PubMed 37650587 (cited by Myriad Genetics, Inc.); PubMed 32404165 (cited by Labcorp Genetics (formerly Invitae), Labcorp); PubMed 11034457 (cited by OMIM).

NM_006623.4(PHGDH):c.1273G>A (p.Val425Met)

Gene: PHGDH (phosphoglycerate dehydrogenase; plus strand). Cytogenetic location: 1p12.
Variant type: single nucleotide variant.
Coding change: c.1273G>A on transcript NM_006623.4 (MANE Select); coding-DNA position 1273, G replaced by A.
Protein change: p.Val425Met; replaces valine 425 with methionine.
Molecular consequence: missense variant.
Genome position (GRCh38, 1-based): chr1:119,742,870, G>A. VCF-style: chr1-119742870-G-A. GRCh37 (hg19) VCF-style: chr1-120285493-G-A.
Other names: short protein forms V425M.
Identifiers: ClinVar variation 3868 (VCV000003868.8), dbSNP rs121907988, ClinGen allele CA116476.
Genomic context (GRCh38, chr1:119,742,870, plus strand): 5'-ACCACCTCCCACAGCCCTGCTGCACCAGGGGAGCAAGGCTTCGGGGAATGCCTCCTGGCC[G>A]TGGCCCTGGCAGGCGCCCCTTACCAGGCTGTGGGCTTGGTCCAAGGCACTACGCCTGTAC-3'
Protein context (NP_006614.2, residues 415-435): EQGFGECLLA[Val425Met]ALAGAPYQAV